The following is an entry in ClinVar:

NM_006218.4(PIK3CA):c.2903C>G (p.Ala968Gly)

Gene: PIK3CA (phosphatidylinositol-4,5-bisphosphate 3-kinase catalytic subunit alpha; plus strand). Cytogenetic location: 3q26.32.
Variant type: single nucleotide variant.
Coding change: c.2903C>G on transcript NM_006218.4 (MANE Select); coding-DNA position 2903, C replaced by G.
Protein change: p.Ala968Gly; replaces alanine 968 with glycine.
Molecular consequence: missense variant.
Genome position (GRCh38, 1-based): chr3:179,230,343, C>G. VCF-style: chr3-179230343-C-G. GRCh37 (hg19) VCF-style: chr3-178948131-C-G.
Other names: short protein forms A968G.
Identifiers: ClinVar variation 1797480 (VCV001797480.2), dbSNP rs2108425262, ClinGen allele CA355281937.

ClinVar aggregate classification (germline): Uncertain significance (1 of 4 stars; one submission).

Conditions:
Inborn genetic diseases. Identifiers: MedGen C0950123, MeSH D030342.

Allele frequency attached by ClinVar (database versions not stated): gnomAD exomes below 0.00001.
gnomAD v4.1: 1 of 1,607,034 alleles (0.000062%); highest among the groups gnomAD compares: South Asian, 0.0011%; no homozygotes.

Submission:

Ambry Genetics
Classification: Uncertain significance for Inborn genetic diseases. Last evaluated: 2022-04-05. Review status: criteria provided, single submitter. Criteria: Ambry Variant Classification Scheme 2023. Collection method: clinical testing. Allele origin: germline.
Comment: The p.A968G variant (also known as c.2903C>G), located in coding exon 19 of the PIK3CA gene, results from a C to G substitution at nucleotide position 2903. The alanine at codon 968 is replaced by glycine, an amino acid with similar properties. This amino acid position is conserved. In addition, this alteration is predicted to be tolerated by in silico analysis. Since supporting evidence is limited at this time, the clinical significance of this alteration remains unclear.